The following is an entry in ClinVar:

ClinVar aggregate classification (germline): Uncertain significance. Review status: criteria provided, multiple submitters, no conflicts (2 of 4 stars). 3 submissions from 3 submitters: Uncertain significance (2). 1 of the submissions does not count toward it. Last evaluated 2024-04-26.

Conditions:
Retinitis pigmentosa 25 (RP25). Identifiers: Orphanet 791, MedGen C1864446, MONDO:0011272, OMIM 602772.

Allele frequency attached by ClinVar (database versions not stated): gnomAD exomes 0.00002 and 0.00003.
gnomAD v4.1: 23 of 1,551,292 alleles (0.0015%); highest among the groups gnomAD compares: Non-Finnish European, 0.002%; no homozygotes.

Submissions (3):

Blueprint Genetics
Classification: Uncertain significance. Last evaluated: 2024-04-26. Review status: criteria provided, single submitter. Criteria: ACMG Guidelines, 2015. Collection method: clinical testing. Allele origin: germline.

Labcorp Genetics (formerly Invitae), Labcorp
Classification: Uncertain significance. Last evaluated: 2022-08-01. Review status: criteria provided, single submitter. Criteria: Invitae Variant Classification Sherloc (09022015). Collection method: clinical testing. Allele origin: germline.
Comment: This sequence change replaces threonine, which is neutral and polar, with alanine, which is neutral and non-polar, at codon 865 of the EYS protein (p.Thr865Ala). This variant is present in population databases (no rsID available, gnomAD 0.005%). This variant has not been reported in the literature in individuals affected with EYS-related conditions. ClinVar contains an entry for this variant (Variation ID: 1052455). Algorithms developed to predict the effect of missense changes on protein structure and function are either unavailable or do not agree on the potential impact of this missense change (SIFT: "Deleterious"; PolyPhen-2: "Benign"; Align-GVGD: "Class C55"). In summary, the available evidence is currently insufficient to determine the role of this variant in disease. Therefore, it has been classified as a Variant of Uncertain Significance.

Natera, Inc.
Classification: Uncertain significance for Retinitis pigmentosa type 25. Last evaluated: 2020-06-26. Review status: no assertion criteria provided. Collection method: clinical testing. Allele origin: germline. Not counted in ClinVar's aggregate classification.

NM_001142800.2(EYS):c.2593A>G (p.Thr865Ala)

Gene: EYS (EGF-like photoreceptor maintenance factor; minus strand). Cytogenetic location: 6q12.
Variant type: single nucleotide variant.
Coding change: c.2593A>G on transcript NM_001142800.2 (MANE Select); coding-DNA position 2593, A replaced by G.
Protein change: p.Thr865Ala; replaces threonine 865 with alanine.
Molecular consequence: missense variant.
Genome position (GRCh38, 1-based): chr6:64,912,532, T>C on the plus strand (A>G on the coding strand, the complement: EYS is on the minus strand). VCF-style: chr6-64912532-T-C. GRCh37 (hg19) VCF-style: chr6-65622425-T-C.
Other names: c.2593A>G, p.Thr865Ala (NM_001292009.2); short protein forms T865A.
Identifiers: ClinVar variation 1052455 (VCV001052455.4), dbSNP rs1228765084, ClinGen allele CA364786170.